The following is an entry in ClinVar:

ClinVar aggregate classification (germline): Pathogenic. Review status: reviewed by expert panel (3 of 4 stars). 9 submissions from 9 submitters: Pathogenic (1). 8 of the submissions do not count toward it. Last evaluated 2016-09-08.

Conditions:
Hereditary cancer-predisposing syndrome. Also called: Hereditary Cancer Syndrome; Neoplastic Syndromes, Hereditary; Hereditary neoplastic syndrome; Tumor predisposition. Identifiers: Orphanet 140162, MedGen C0027672, MeSH D009386, MONDO:0015356.
Hereditary breast ovarian cancer syndrome. Also called: Hereditary breast and ovarian cancer syndrome; Breast and ovarian cancer; Hereditary breast and ovarian cancer syndrome (HBOC); BRCA1- and BRCA2-Associated Hereditary Breast and Ovarian Cancer; Hereditary breast and/or ovarian cancer syndrome; Hereditary breast and ovarian cancer. Identifiers: Orphanet 145, MedGen C0677776, MeSH D061325, MONDO:0003582. Disease mechanism: loss of function.
Breast-ovarian cancer, familial, susceptibility to, 2 (BROVCA2). Also called: BRCA2 Hereditary Breast and Ovarian Cancer. Identifiers: Orphanet 145, MedGen C2675520, MONDO:0012933, OMIM 612555. Disease mechanism: loss of function.
Prostate cancer. Also called: Malignant tumor of prostate. Identifiers: Orphanet 1331, MedGen C0376358, MONDO:0008315, HP:0012125.

Submissions (9):

Evidence-based Network for the Interpretation of Germline Mutant Alleles (ENIGMA)
Classification: Pathogenic for Breast-ovarian cancer, familial, susceptibility to, 2. Last evaluated: 2016-09-08. Review status: reviewed by expert panel. Criteria: ENIGMA BRCA1/2 Classification Criteria (2015). Collection method: curation. Allele origin: germline.
Comment: Variant allele predicted to encode a truncated non-functional protein.

Labcorp Genetics (formerly Invitae), Labcorp
Classification: Pathogenic for Hereditary breast ovarian cancer syndrome. Last evaluated: 2024-05-26. Review status: criteria provided, single submitter. Criteria: Invitae Variant Classification Sherloc (09022015). Collection method: clinical testing. Allele origin: germline. Not counted in ClinVar's aggregate classification.
Comment: This sequence change creates a premature translational stop signal (p.Val1942Phefs*21) in the BRCA2 gene. It is expected to result in an absent or disrupted protein product. Loss-of-function variants in BRCA2 are known to be pathogenic (PMID: 20104584). This variant is not present in population databases (gnomAD no frequency). This premature translational stop signal has been observed in individual(s) with breast and/or ovarian cancer (PMID: 10644434, 29084914). This variant is also known as 6051delA. ClinVar contains an entry for this variant (Variation ID: 51945). For these reasons, this variant has been classified as Pathogenic.

Ambry Genetics
Classification: Pathogenic for Hereditary cancer-predisposing syndrome. Last evaluated: 2023-08-05. Review status: criteria provided, single submitter. Criteria: Ambry Variant Classification Scheme 2023. Collection method: clinical testing. Allele origin: germline. Not counted in ClinVar's aggregate classification.
Comment: The c.5823delA pathogenic mutation, located in coding exon 10 of the BRCA2 gene, results from a deletion of one nucleotide at nucleotide position 5823, causing a translational frameshift with a predicted alternate stop codon (p.V1942Ffs*21). This mutation was described in a Swedish HBOC family in which the father and four of his sons were diagnosed with prostate cancer between the ages of ages of 51 and 63, and three daughters were diagnosed with breast cancer between the ages of 47 and 61 (Gronberg, H et al. Genes Chromosomes Cancer. 2001 Mar;30(3):299-301). This variant is considered to be rare based on population cohorts in the Genome Aggregation Database (gnomAD). In addition to the clinical data presented in the literature, this alteration is expected to result in loss of function by premature protein truncation or nonsense-mediated mRNA decay. As such, this alteration is interpreted as a disease-causing mutation.

Clinical Genetics Laboratory, Skane University Hospital Lund
Classification: Pathogenic. Last evaluated: 2022-05-27. Review status: criteria provided, single submitter. Criteria: ACMG Guidelines, 2015. Collection method: clinical testing. Allele origin: germline. Affected: yes. Not counted in ClinVar's aggregate classification.

Consortium of Investigators of Modifiers of BRCA1/2 (CIMBA), c/o University of Cambridge
Classification: Pathogenic for Breast-ovarian cancer, familial, susceptibility to, 2. Last evaluated: 2015-10-02. Review status: criteria provided, single submitter. Criteria: CIMBA Mutation Classification guidelines May 2016. Collection method: clinical testing. Allele origin: germline. Not counted in ClinVar's aggregate classification.

Clinical Genetics and Genomics, Karolinska University Hospital
Classification: Pathogenic. Last evaluated: 2015-04-30. Review status: criteria provided, single submitter. Criteria: ACMG Guidelines, 2015. Collection method: clinical testing. Allele origin: germline. Affected: yes. Observed: 1 variant allele. Not counted in ClinVar's aggregate classification.

BRCAlab, Lund University
Classification: Pathogenic for Breast-ovarian cancer, familial, susceptibility to, 2. Last evaluated: 2022-08-26. Review status: no assertion criteria provided. Collection method: clinical testing. Allele origin: germline. Affected: yes. Not counted in ClinVar's aggregate classification.

OMIM
Classification: Pathogenic for PROSTATE CANCER. Last evaluated: 2001-03-01. Review status: no assertion criteria provided. Collection method: literature only. Allele origin: germline. Not counted in ClinVar's aggregate classification.

Breast Cancer Information Core (BIC) (BRCA2)
Classification: Pathogenic for Breast-ovarian cancer, familial 2. Review status: no assertion criteria provided. Collection method: clinical testing. Allele origin: germline. Affected: yes. Observed: 2 variant alleles. Not counted in ClinVar's aggregate classification.

Literature cited by the submitters: PubMed 20104584 (cited by Labcorp Genetics (formerly Invitae), Labcorp); PubMed 10644434 (cited by Labcorp Genetics (formerly Invitae), Labcorp); PubMed 29084914 (cited by Labcorp Genetics (formerly Invitae), Labcorp); PubMed 11170288 (cited by OMIM).

NM_000059.4(BRCA2):c.5823del (p.Val1942fs)

Gene: BRCA2 (BRCA2 DNA repair associated; plus strand). Cytogenetic location: 13q13.1.
Variant type: Deletion.
Coding change: c.5823del on transcript NM_000059.4 (MANE Select); coding-DNA position 5823, one base deleted (A; older notation c.5823delA).
Protein change: p.Val1942fs; shifts the reading frame from valine 1942.
Molecular consequence: frameshift variant.
Genome position (GRCh38, 1-based): chr13:32,340,178, A deleted; the last of 3 consecutive A bases (chr13:32,340,176-32,340,178); deleting any one gives the same sequence. VCF-style (leftmost placement, unchanged base first): chr13-32340175-GA-G. GRCh37 (hg19) VCF-style: chr13-32914312-GA-G.
Other names: 6051delA; c.5823delA (NM_000059.3).
Identifiers: ClinVar variation 51945 (VCV000051945.36), dbSNP rs80359540, ClinGen allele CA023272.
Genomic context (GRCh38, chr13:32,340,175, plus strand): 5'-TTTTGCTGACATTCAGAGTGAAGAAATTTTACAACATAACCAAAATATGTCTGGATTGGA[GA>G]AAGTTTCTAAAATATCACCTTGTGATGTTAGTTTGGAAACTTCAGATATATGTAAATGTA-3'